The following is an entry in ClinVar:

NM_005157.6(ABL1):c.2355G>T (p.Arg785Ser)

Gene: ABL1 (ABL proto-oncogene 1, non-receptor tyrosine kinase; plus strand). Cytogenetic location: 9q34.12.
Variant type: single nucleotide variant.
Coding change: c.2355G>T on transcript NM_005157.6 (MANE Select); coding-DNA position 2355, G replaced by T.
Protein change: p.Arg785Ser; replaces arginine 785 with serine.
Molecular consequence: missense variant.
Genome position (GRCh38, 1-based): chr9:130,884,645, G>T. VCF-style: chr9-130884645-G-T. GRCh37 (hg19) VCF-style: chr9-133760032-G-T.
Other names: c.2412G>T, p.Arg804Ser (NM_007313.3); short protein forms R785S, R804S.
Identifiers: ClinVar variation 3635940 (VCV003635940.2).
Genomic context (GRCh38, chr9:130,884,645, plus strand): 5'-GAGGGCAGGGGAGAACAGGTCTGACCAGGTGACCCGAGGCACAGTAACGCCTCCCCCCAG[G>T]CTGGTGAAAAAGAATGAGGAAGCTGCTGATGAGGTCTTCAAAGACATCATGGAGTCCAGC-3'
Protein context (NP_005148.2, residues 775-795): VTRGTVTPPP[Arg785Ser]LVKKNEEAAD

ClinVar aggregate classification (germline): Uncertain significance (1 of 4 stars; one submission).

Submission:

Labcorp Genetics (formerly Invitae), Labcorp
Classification: Uncertain significance. Last evaluated: 2024-10-22. Review status: criteria provided, single submitter. Criteria: Invitae Variant Classification Sherloc (09022015). Collection method: clinical testing. Allele origin: germline.
Comment: This sequence change replaces arginine, which is basic and polar, with serine, which is neutral and polar, at codon 804 of the ABL1 protein (p.Arg804Ser). This variant is not present in population databases (gnomAD no frequency). This variant has not been reported in the literature in individuals affected with ABL1-related conditions. Invitae Evidence Modeling of protein sequence and biophysical properties (such as structural, functional, and spatial information, amino acid conservation, physicochemical variation, residue mobility, and thermodynamic stability) indicates that this missense variant is not expected to disrupt ABL1 protein function with a negative predictive value of 95%. In summary, the available evidence is currently insufficient to determine the role of this variant in disease. Therefore, it has been classified as a Variant of Uncertain Significance.